The following is an entry in ClinVar:

ClinVar aggregate classification (germline): Uncertain significance. Review status: criteria provided, multiple submitters, no conflicts (2 of 4 stars). 6 submissions from 6 submitters: Uncertain significance (6). Last evaluated 2025-09-16.

Conditions:
Inborn genetic diseases. Identifiers: MedGen C0950123, MeSH D030342.
Congenital myotonia, autosomal recessive form. Also called: myotonia congenita, autosomal recessive; BECKER DISEASE; Becker Generalized Myotonia. Identifiers: Orphanet 614, MedGen C0751360, MONDO:0009715, OMIM 255700.
Congenital myotonia, autosomal dominant form (THD). Also called: THOMSEN DISEASE; Myotonia congenita autosomal dominant. Identifiers: Orphanet 614, MedGen C2936781, MONDO:0008055, OMIM 160800.

Allele frequency attached by ClinVar (database versions not stated): gnomAD 0.00002 and 0.00003; gnomAD exomes 0.00003; ExAC 0.00005; TOPMed 0.00005.
gnomAD v4.1: 63 of 1,559,102 alleles (0.004%); highest among the groups gnomAD compares: Non-Finnish European, 0.0053%; no homozygotes.

Submissions (6):

Women's Health and Genetics/Laboratory Corporation of America, LabCorp
Classification: Uncertain significance. Last evaluated: 2025-09-16. Review status: criteria provided, single submitter. Criteria: LabCorp Variant Classification Summary - May 2015. Collection method: clinical testing. Allele origin: germline.
Comment: Variant summary: CLCN1 c.2026G>C (p.Glu676Gln) results in a conservative amino acid change in the encoded protein sequence. Algorithms developed to predict the effect of missense changes on protein structure and function all suggest that this variant is likely to be tolerated. The variant allele was found at a frequency of 3e-05 in 166302 control chromosomes. The available data on variant occurrences in the general population are insufficient to allow any conclusion about variant significance. To our knowledge, no occurrence of c.2026G>C in individuals affected with CLCN1-related conditions and no experimental evidence demonstrating its impact on protein function have been reported. ClinVar contains an entry for this variant (Variation ID: 423307). Based on the evidence outlined above, the variant was classified as uncertain significance.

Mayo Clinic Laboratories, Mayo Clinic
Classification: Uncertain significance. Last evaluated: 2025-06-05. Review status: criteria provided, single submitter. Criteria: ACMG Guidelines, 2015. Collection method: clinical testing. Allele origin: germline. Observed: 1 variant allele.
Comment: BP4_moderate

Ambry Genetics
Classification: Uncertain significance for Inborn genetic diseases. Last evaluated: 2025-04-07. Review status: criteria provided, single submitter. Criteria: Ambry Variant Classification Scheme 2023. Collection method: clinical testing. Allele origin: germline.

Labcorp Genetics (formerly Invitae), Labcorp
Classification: Uncertain significance for Congenital myotonia, autosomal recessive form; Congenital myotonia, autosomal dominant form. Last evaluated: 2022-09-19. Review status: criteria provided, single submitter. Criteria: Invitae Variant Classification Sherloc (09022015). Collection method: clinical testing. Allele origin: germline.
Comment: This sequence change replaces glutamic acid, which is acidic and polar, with glutamine, which is neutral and polar, at codon 676 of the CLCN1 protein (p.Glu676Gln). This variant is present in population databases (rs750187204, gnomAD 0.006%). This variant has not been reported in the literature in individuals affected with CLCN1-related conditions. ClinVar contains an entry for this variant (Variation ID: 423307). Advanced modeling of protein sequence and biophysical properties (such as structural, functional, and spatial information, amino acid conservation, physicochemical variation, residue mobility, and thermodynamic stability) performed at Invitae indicates that this missense variant is not expected to disrupt CLCN1 protein function. In summary, the available evidence is currently insufficient to determine the role of this variant in disease. Therefore, it has been classified as a Variant of Uncertain Significance.

Revvity Omics, Revvity
Classification: Uncertain significance. Last evaluated: 2021-12-06. Review status: criteria provided, single submitter. Criteria: ACMG Guidelines, 2015. Collection method: clinical testing. Allele origin: germline.

GeneDx
Classification: Uncertain significance. Last evaluated: 2018-11-15. Review status: criteria provided, single submitter. Criteria: GeneDx Variant Classification (06012015). Collection method: clinical testing. Allele origin: germline. Affected: yes.
Comment: A variant of uncertain significance has been identified in the CLCN1 gene. The E676Q variant has not been published as a pathogenic variant, nor has it been reported as a benign variant to our knowledge. The E676Q variant is observed in 5/78802 (0.01%) alleles from individuals of non-Finnish European background (Lek et al., 2016). This variant is a semi-conservative amino acid substitution, which may impact secondary protein structure as these residues differ in some properties. In silico analysis, which includes protein predictors and evolutionary conservation, supports that this variant does not alter protein structure/function. Therefore, based on the currently available information, it is unclear whether this variant is a pathogenic variant or a rare benign variant..

NM_000083.3(CLCN1):c.2026G>C (p.Glu676Gln)

Genes: CLCN1 (chloride voltage-gated channel 1; plus strand), LOC123956257 (Sharpr-MPRA regulatory region 4117; plus strand). Cytogenetic location: 7q34.
Variant type: single nucleotide variant.
Coding change: c.2026G>C on transcript NM_000083.3 (MANE Select); coding-DNA position 2026, G replaced by C.
Protein change: p.Glu676Gln; replaces glutamic acid 676 with glutamine.
Molecular consequence: missense variant. On other transcripts: non-coding transcript variant (1).
Genome position (GRCh38, 1-based): chr7:143,345,616, G>C. VCF-style: chr7-143345616-G-C. GRCh37 (hg19) VCF-style: chr7-143042709-G-C.
Other names: p.Glu676Gln; short protein forms E676Q.
Identifiers: ClinVar variation 423307 (VCV000423307.12), dbSNP rs750187204, ClinGen allele CA4537532.